The following is an entry in ClinVar:

ClinVar aggregate classification (germline): Uncertain significance (1 of 4 stars; one submission).

Conditions:
Dilated cardiomyopathy 1DD (CMD1DD). Identifiers: Orphanet 154, MedGen C2750995, MONDO:0013168, OMIM 613172.

Submission:

Labcorp Genetics (formerly Invitae), Labcorp
Classification: Uncertain significance for Dilated cardiomyopathy 1DD. Last evaluated: 2022-09-02. Review status: criteria provided, single submitter. Criteria: Invitae Variant Classification Sherloc (09022015). Collection method: clinical testing. Allele origin: germline.
Comment: In summary, the available evidence is currently insufficient to determine the role of this variant in disease. Therefore, it has been classified as a Variant of Uncertain Significance. Advanced modeling of protein sequence and biophysical properties (such as structural, functional, and spatial information, amino acid conservation, physicochemical variation, residue mobility, and thermodynamic stability) performed at Invitae indicates that this missense variant is not expected to disrupt RBM20 protein function. This variant has not been reported in the literature in individuals affected with RBM20-related conditions. This variant is not present in population databases (gnomAD no frequency). This sequence change replaces glutamic acid, which is acidic and polar, with valine, which is neutral and non-polar, at codon 855 of the RBM20 protein (p.Glu855Val).

NM_001134363.3(RBM20):c.2564A>T (p.Glu855Val)

Gene: RBM20 (RNA binding motif protein 20; plus strand). Cytogenetic location: 10q25.2.
Variant type: single nucleotide variant.
Coding change: c.2564A>T on transcript NM_001134363.3 (MANE Select); coding-DNA position 2564, A replaced by T.
Protein change: p.Glu855Val; replaces glutamic acid 855 with valine.
Molecular consequence: missense variant.
Genome position (GRCh38, 1-based): chr10:110,820,085, A>T. VCF-style: chr10-110820085-A-T. GRCh37 (hg19) VCF-style: chr10-112579843-A-T.
Other names: short protein forms E855V.
Identifiers: ClinVar variation 1718631 (VCV001718631.5), dbSNP rs1844888272, ClinGen allele CA378376701.
Genomic context (GRCh38, chr10:110,820,085, plus strand): 5'-TCACTGCTCACTGTTGATTTGGTTTGCTCTGTTCTTCCTTTGATAAGGCTGGAAAAGAGG[A>T]ACAGGAGGGCATGGAAGAAAGCCCTCAATCAGTGGGCAGACAGGAGAAAGAAGCAGAGTT-3'
Protein context (NP_001127835.2, residues 845-865): TMAENEAGKE[Glu855Val]QEGMEESPQS